The following is an entry in ClinVar:

ClinVar aggregate classification (germline): Conflicting classifications of pathogenicity. Review status: criteria provided, conflicting classifications (1 of 4 stars). 5 submissions from 4 submitters: Uncertain significance (1); Benign (3); Likely benign (1). Last evaluated 2026-01-11.

Conditions:
Retinitis pigmentosa (RP). Identifiers: Orphanet 791, MedGen C0035334, MeSH D012174, MONDO:0019200, OMIM 268000. Inheritance: Autosomal dominant, autosomal recessive and X linked inheritance.
Congenital stationary night blindness autosomal dominant 2. Also called: NIGHT BLINDNESS, CONGENITAL STATIONARY, RAMBUSCH TYPE. Identifiers: Orphanet 215, MedGen C1876182, MONDO:0008099, OMIM 163500.

Allele frequency attached by ClinVar (database versions not stated): gnomAD 0.00003; TOPMed 0.00006; 1000 Genomes Project 0.00319; 1000 Genomes Project 30x 0.00344.
gnomAD v4.1: 1,018 of 1,613,358 alleles (0.063%); highest among the groups gnomAD compares: South Asian, 1.1%; 10 homozygotes.

Submissions (5):

Labcorp Genetics (formerly Invitae), Labcorp
Classification: Benign. Last evaluated: 2026-01-11. Review status: criteria provided, single submitter. Criteria: Invitae Variant Classification Sherloc (09022015). Collection method: clinical testing. Allele origin: germline.

Blueprint Genetics
Classification: Likely benign. Last evaluated: 2024-11-07. Review status: criteria provided, single submitter. Criteria: ACMG Guidelines, 2015. Collection method: clinical testing. Allele origin: germline.

Illumina Laboratory Services, Illumina
Classification: Uncertain significance for Retinitis pigmentosa. Last evaluated: 2018-01-12. Review status: criteria provided, single submitter. Criteria: ICSL Variant Classification Criteria 13 December 2019. Collection method: clinical testing. Allele origin: germline.

Illumina Laboratory Services, Illumina
Classification: Benign for Congenital stationary night blindness autosomal dominant 2. Last evaluated: 2018-01-12. Review status: criteria provided, single submitter. Criteria: ICSL Variant Classification Criteria 13 December 2019. Collection method: clinical testing. Allele origin: germline.
Comment: This variant was observed in the ICSL laboratory as part of a predisposition screen in an ostensibly healthy population. It had not been previously curated by ICSL or reported in the Human Gene Mutation Database (HGMD: prior to June 1st, 2018), and was therefore a candidate for classification through an automated scoring system. Utilizing variant allele frequency, disease prevalence and penetrance estimates, and inheritance mode, an automated score was calculated to assess if this variant is too frequent to cause the disease. Based on the score and internal cut-off values, a variant classified as benign is not then subjected to further curation. The score for this variant resulted in a classification of benign for this disease.

Eurofins Ntd Llc (ga)
Classification: Benign. Last evaluated: 2015-03-30. Review status: criteria provided, single submitter. Criteria: EGL Classification Definitions 2015. Collection method: clinical testing. Allele origin: germline. Observed: 1 variant allele, 1 heterozygote.

NM_000283.4(PDE6B):c.132C>G (p.Cys44Trp)

Gene: PDE6B (phosphodiesterase 6B; plus strand). Cytogenetic location: 4p16.3.
Variant type: single nucleotide variant.
Coding change: c.132C>G on transcript NM_000283.4 (MANE Select); coding-DNA position 132, C replaced by G.
Protein change: p.Cys44Trp; replaces cysteine 44 with tryptophan.
Molecular consequence: missense variant.
Genome position (GRCh38, 1-based): chr4:625,758, C>G. VCF-style: chr4-625758-C-G. GRCh37 (hg19) VCF-style: chr4-619547-C-G.
Other names: c.132C>G, p.Cys44Trp (NM_001145291.2); short protein forms C44W.
Identifiers: ClinVar variation 193074 (VCV000193074.18), dbSNP rs199974771, ClinGen allele CA200297.